The following is an entry in ClinVar:

NM_000138.5(FBN1):c.4385A>C (p.His1462Pro)

Gene: FBN1 (fibrillin 1; minus strand). Cytogenetic location: 15q21.1.
Variant type: single nucleotide variant.
Coding change: c.4385A>C on transcript NM_000138.5 (MANE Select); coding-DNA position 4385, A replaced by C.
Protein change: p.His1462Pro; replaces histidine 1462 with proline.
Molecular consequence: missense variant.
Genome position (GRCh38, 1-based): chr15:48,470,708, T>G on the plus strand (A>C on the coding strand, the complement: FBN1 is on the minus strand). VCF-style: chr15-48470708-T-G. GRCh37 (hg19) VCF-style: chr15-48762905-T-G.
Other names: c.4385A>C, p.His1462Pro (NM_001406716.1); short protein forms H1462P.
Identifiers: ClinVar variation 2453676 (VCV002453676.2), dbSNP rs2505508556, ClinGen allele CA392354593.

ClinVar aggregate classification (germline): Uncertain significance (1 of 4 stars; one submission).

Conditions:
Familial thoracic aortic aneurysm and aortic dissection (TAAD). Also called: Thoracic aortic aneurysms and dissections. Identifiers: Orphanet 91387, MedGen C4707243, MONDO:0019625.

Submission:

Ambry Genetics
Classification: Uncertain significance for Familial thoracic aortic aneurysm and aortic dissection. Last evaluated: 2023-01-04. Review status: criteria provided, single submitter. Criteria: Ambry Variant Classification Scheme 2023. Collection method: clinical testing. Allele origin: germline.
Comment: The p.H1462P variant (also known as c.4385A>C), located in coding exon 35 of the FBN1 gene, results from an A to C substitution at nucleotide position 4385. The histidine at codon 1462 is replaced by proline, an amino acid with similar properties. This amino acid position is not well conserved in available vertebrate species. In addition, the in silico prediction for this alteration is inconclusive. Since supporting evidence is limited at this time, the clinical significance of this alteration remains unclear.